The following is an entry in ClinVar:

ClinVar aggregate classification (germline): Benign/Likely benign. Review status: criteria provided, multiple submitters, no conflicts (2 of 4 stars). 3 submissions from 3 submitters: Benign (1); Likely benign (2). Last evaluated 2026-06-01.

Conditions:
Microcephaly, growth deficiency, seizures, and brain malformations. Identifiers: MedGen C5193042, MONDO:0032690, OMIM 618346.
Galloway-Mowat syndrome 6. Identifiers: MedGen C5193043, MONDO:0032691, OMIM 618347.

Allele frequency attached by ClinVar (database versions not stated): 1000 Genomes Project 30x 0.00265; 1000 Genomes Project 0.00300; ESP Exome Variant Server 0.00400; TOPMed 0.00547.
gnomAD v4.1: 8,224 of 1,613,682 alleles (0.51%); highest among the groups gnomAD compares: Middle Eastern, 0.74%; 37 homozygotes.

Submissions (3):

CeGaT Center for Human Genetics Tuebingen
Classification: Likely benign. Last evaluated: 2026-06-01. Review status: criteria provided, single submitter. Criteria: CeGaT Center For Human Genetics Tuebingen Variant Classification Criteria Version 2. Collection method: clinical testing. Allele origin: germline. Affected: yes. Observed: 10 variant alleles.
Comment: WDR4: BP4, BP7, BS2

Labcorp Genetics (formerly Invitae), Labcorp
Classification: Benign. Last evaluated: 2026-01-30. Review status: criteria provided, single submitter. Criteria: Invitae Variant Classification Sherloc (09022015). Collection method: clinical testing. Allele origin: germline.

Fulgent Genetics
Classification: Likely benign for Microcephaly, growth deficiency, seizures, and brain malformations; Galloway-Mowat syndrome 6. Last evaluated: 2021-10-21. Review status: criteria provided, single submitter. Criteria: ACMG Guidelines, 2015. Collection method: clinical testing. Allele origin: unknown.

NM_018669.6(WDR4):c.33G>A (p.Gly11=)

Gene: WDR4 (WDR4 tRNA N7-guanosine methyltransferase non-catalytic subunit; minus strand). Cytogenetic location: 21q22.3.
Variant type: single nucleotide variant.
Coding change: c.33G>A on transcript NM_018669.6 (MANE Select); coding-DNA position 33, G replaced by A.
Protein change: p.Gly11=; no amino-acid change (glycine 11 retained).
Molecular consequence: synonymous variant. On other transcripts: 5 prime UTR variant (2), intron variant (1).
Genome position (GRCh38, 1-based): chr21:42,879,463, C>T on the plus strand (G>A on the coding strand, the complement: WDR4 is on the minus strand). VCF-style: chr21-42879463-C-T. GRCh37 (hg19) VCF-style: chr21-44299573-C-T.
Other names: c.33G>A, p.Gly11= (NM_001260474.2, NM_033661.5); c.-354G>A (NM_001260475.2); c.-769G>A (NM_001260477.2); c.-298+50G>A (NM_001260476.2).
Identifiers: ClinVar variation 773615 (VCV000773615.34), dbSNP rs138295040, ClinGen allele CA10046315.